The following is an entry in ClinVar:

NM_001083619.3(GRIA2):c.135A>G (p.Arg45=)

Gene: GRIA2 (glutamate ionotropic receptor AMPA type subunit 2; plus strand). Cytogenetic location: 4q32.1.
Variant type: single nucleotide variant.
Coding change: c.135A>G on transcript NM_001083619.3 (MANE Select); coding-DNA position 135, A replaced by G.
Protein change: p.Arg45=; no amino-acid change (arginine 45 retained).
Molecular consequence: synonymous variant. On other transcripts: 5 prime UTR variant (3).
Genome position (GRCh38, 1-based): chr4:157,221,713, A>G. VCF-style: chr4-157221713-A-G. GRCh37 (hg19) VCF-style: chr4-158142865-A-G.
Other names: c.135A>G, p.Arg45= (NM_000826.6); c.-7A>G (NM_001083620.3, NM_001379000.3, NM_001379001.3).
Identifiers: ClinVar variation 4821088 (VCV004821088.4).

ClinVar aggregate classification (germline): Likely benign (1 of 4 stars; one submission).

gnomAD v4.1: 211 of 1,613,882 alleles (0.013%); highest among the groups gnomAD compares: Non-Finnish European, 0.017%; no homozygotes.

Submission:

CeGaT Center for Human Genetics Tuebingen
Classification: Likely benign. Last evaluated: 2026-02-01. Review status: criteria provided, single submitter. Criteria: CeGaT Center For Human Genetics Tuebingen Variant Classification Criteria Version 2. Collection method: clinical testing. Allele origin: germline. Affected: yes. Observed: 2 variant alleles.
Comment: GRIA2: BP4, BP7